The following is an entry in ClinVar:

ClinVar aggregate classification (germline): Conflicting classifications of pathogenicity. Review status: criteria provided, conflicting classifications (1 of 4 stars). 5 submissions from 5 submitters: Uncertain significance (1); Likely benign (3). 1 of the submissions does not count toward it. Last evaluated 2026-05-01.

Conditions:
Inborn genetic diseases. Identifiers: MedGen C0950123, MeSH D030342.
Developmental and epileptic encephalopathy, 57. Also called: EPILEPTIC ENCEPHALOPATHY, EARLY INFANTILE, 57. Identifiers: MedGen C4540411, MONDO:0033366, OMIM 617771.
KCNT2-related disorder. Also called: KCNT2-related condition. Identifiers: MedGen CN236796.

Allele frequency attached by ClinVar (database versions not stated): gnomAD exomes 0.00012; gnomAD 0.00014; 1000 Genomes Project 30x 0.00016; TOPMed 0.00019; 1000 Genomes Project 0.00020; ESP Exome Variant Server 0.00023; ExAC 0.00026.
gnomAD v4.1: 200 of 1,611,274 alleles (0.012%); highest among the groups gnomAD compares: Middle Eastern, 0.13%; 1 homozygote.

Submissions (5):

CeGaT Center for Human Genetics Tuebingen
Classification: Likely benign. Last evaluated: 2026-05-01. Review status: criteria provided, single submitter. Criteria: CeGaT Center For Human Genetics Tuebingen Variant Classification Criteria Version 2. Collection method: clinical testing. Allele origin: germline. Affected: yes. Observed: 3 variant alleles.
Comment: KCNT2: BP4, BS1

Fulgent Genetics
Classification: Uncertain significance for Developmental and epileptic encephalopathy, 57. Last evaluated: 2024-01-17. Review status: criteria provided, single submitter. Criteria: ACMG Guidelines, 2015. Collection method: clinical testing. Allele origin: germline.

Blueprint Genetics
Classification: Likely benign. Last evaluated: 2023-10-16. Review status: criteria provided, single submitter. Criteria: ACMG Guidelines, 2015. Collection method: clinical testing. Allele origin: germline.

Ambry Genetics
Classification: Likely benign for Inborn genetic diseases. Last evaluated: 2021-09-16. Review status: criteria provided, single submitter. Criteria: Ambry Variant Classification Scheme 2023. Collection method: clinical testing. Allele origin: germline.

PreventionGenetics, part of Exact Sciences
Classification: Likely benign for KCNT2-related condition. Last evaluated: 2024-01-11. Review status: no assertion criteria provided. Collection method: clinical testing. Allele origin: germline. Not counted in ClinVar's aggregate classification.
Comment: This variant is classified as likely benign based on ACMG/AMP sequence variant interpretation guidelines (Richards et al. 2015 PMID: 25741868, with internal and published modifications).

NM_198503.5(KCNT2):c.1478T>C (p.Val493Ala)

Gene: KCNT2 (potassium sodium-activated channel subfamily T member 2; minus strand). Cytogenetic location: 1q31.3.
Variant type: single nucleotide variant.
Coding change: c.1478T>C on transcript NM_198503.5 (MANE Select); coding-DNA position 1478, T replaced by C.
Protein change: p.Val493Ala; replaces valine 493 with alanine.
Molecular consequence: missense variant. On other transcripts: non-coding transcript variant (2), intron variant (1).
Genome position (GRCh38, 1-based): chr1:196,342,154, A>G on the plus strand (T>C on the coding strand, the complement: KCNT2 is on the minus strand). VCF-style: chr1-196342154-A-G. GRCh37 (hg19) VCF-style: chr1-196311284-A-G.
Other names: c.1478T>C (NM_198503.3, NM_198503.2); c.1478T>C, p.Val493Ala (NM_001287819.3); c.1404-1584T>C (NM_001287820.3); short protein forms V493A.
Identifiers: ClinVar variation 2639678 (VCV002639678.28), dbSNP rs148698179, ClinGen allele CA1304437.